The following is an entry in ClinVar:

ClinVar aggregate classification (germline): Uncertain significance (1 of 4 stars; one submission).

Allele frequency attached by ClinVar (database versions not stated): gnomAD 0.00003; gnomAD exomes 0.00003; ExAC 0.00006; TOPMed 0.00005.
gnomAD v4.1: 49 of 1,613,558 alleles (0.003%); highest among the groups gnomAD compares: South Asian, 0.0066%; no homozygotes.

Submission:

Labcorp Genetics (formerly Invitae), Labcorp
Classification: Uncertain significance. Last evaluated: 2026-01-18. Review status: criteria provided, single submitter. Criteria: Invitae Variant Classification Sherloc (09022015). Collection method: clinical testing. Allele origin: germline.
Comment: This sequence change replaces arginine, which is basic and polar, with glutamine, which is neutral and polar, at codon 360 of the LYN protein (p.Arg360Gln). This variant is present in population databases (rs201895605, gnomAD 0.01%). This variant has not been reported in the literature in individuals affected with LYN-related conditions. ClinVar contains an entry for this variant (Variation ID: 2911677). An algorithm developed to predict the effect of missense changes on protein structure and function (PolyPhen-2) suggests that this variant is likely to be tolerated. In summary, the available evidence is currently insufficient to determine the role of this variant in disease. Therefore, it has been classified as a Variant of Uncertain Significance.

NM_002350.4(LYN):c.1079G>A (p.Arg360Gln)

Gene: LYN (LYN proto-oncogene, Src family tyrosine kinase; plus strand). Cytogenetic location: 8q12.1.
Variant type: single nucleotide variant.
Coding change: c.1079G>A on transcript NM_002350.4 (MANE Select); coding-DNA position 1079, G replaced by A.
Protein change: p.Arg360Gln; replaces arginine 360 with glutamine.
Molecular consequence: missense variant.
Genome position (GRCh38, 1-based): chr8:55,998,374, G>A. VCF-style: chr8-55998374-G-A. GRCh37 (hg19) VCF-style: chr8-56910933-G-A.
Other names: c.1016G>A, p.Arg339Gln (NM_001111097.3); short protein forms R339Q, R360Q.
Identifiers: ClinVar variation 2911677 (VCV002911677.3), dbSNP rs201895605, ClinGen allele CA4754186.